The following is an entry in ClinVar:

ClinVar aggregate classification (germline): Uncertain significance (1 of 4 stars; one submission).

Conditions:
Inborn genetic diseases. Identifiers: MedGen C0950123, MeSH D030342.

Allele frequency attached by ClinVar (database versions not stated): ExAC 0.00001; gnomAD exomes 0.00001.

Submission:

Ambry Genetics
Classification: Uncertain significance for Inborn genetic diseases. Last evaluated: 2023-09-10. Review status: criteria provided, single submitter. Criteria: Ambry Variant Classification Scheme 2023. Collection method: clinical testing. Allele origin: germline.
Comment: The p.K307R variant (also known as c.920A>G), located in coding exon 9 of the MDH2 gene, results from an A to G substitution at nucleotide position 920. The lysine at codon 307 is replaced by arginine, an amino acid with highly similar properties. This amino acid position is conserved. In addition, this alteration is predicted to be tolerated by in silico analysis. Since supporting evidence is limited at this time, the clinical significance of this alteration remains unclear.

NM_005918.4(MDH2):c.920A>G (p.Lys307Arg)

Gene: MDH2 (malate dehydrogenase 2; plus strand). Cytogenetic location: 7q11.23.
Variant type: single nucleotide variant.
Coding change: c.920A>G on transcript NM_005918.4 (MANE Select); coding-DNA position 920, A replaced by G.
Protein change: p.Lys307Arg; replaces lysine 307 with arginine.
Molecular consequence: missense variant.
Genome position (GRCh38, 1-based): chr7:76,066,313, A>G. VCF-style: chr7-76066313-A-G. GRCh37 (hg19) VCF-style: chr7-75695631-A-G.
Other names: c.794A>G, p.Lys265Arg (NM_001282403.2); c.599A>G, p.Lys200Arg (NM_001282404.2); short protein forms K200R, K265R, K307R.
Identifiers: ClinVar variation 1766192 (VCV001766192.3), dbSNP rs781994282, ClinGen allele CA4305772.